The following is an entry in ClinVar:

NM_001374385.1(ATP8B1):c.2599C>T (p.Arg867Cys)

Genes: ATP8B1 (ATPase phospholipid transporting 8B1; minus strand), ATP8B1-AS1 (ATP8B1 antisense RNA 1; plus strand). Cytogenetic location: 18q21.31.
Variant type: single nucleotide variant.
Coding change: c.2599C>T on transcript NM_001374385.1 (MANE Select); coding-DNA position 2599, C replaced by T.
Protein change: p.Arg867Cys; replaces arginine 867 with cysteine.
Molecular consequence: missense variant.
Genome position (GRCh38, 1-based): chr18:57,661,282, G>A on the plus strand (C>T on the coding strand, the complement: ATP8B1 is on the minus strand). VCF-style: chr18-57661282-G-A. GRCh37 (hg19) VCF-style: chr18-55328514-G-A.
Other names: c.2449C>T, p.Arg817Cys (NM_001374386.1); c.2599C>T, p.Arg867Cys (NM_005603.6); short protein forms R867C, R817C.
Identifiers: ClinVar variation 7272 (VCV000007272.2), dbSNP rs121909103, ClinGen allele CA118648.
Genomic context (GRCh38, chr18:57,661,282, plus strand): 5'-TGGCTTTCTTGTACCTCTTCACCAGGTCCACCACCATGGCCTTCTGCTTGGGGGTGACGC[G>A]GCAGCAGATGACTGCGCTGCACTCGCAGGCCAGGTCCACAAAGTTTTTCTGCCGCTGCTC-3'
Protein context (NP_001361314.1, residues 857-877): ACECSAVICC[Arg867Cys]VTPKQKAMVV

ClinVar aggregate classification (germline): Uncertain significance. Review status: criteria provided, single submitter (1 of 4 stars). 2 submissions from 2 submitters: Uncertain significance (1). 1 of the submissions does not count toward it. Last evaluated 2026-04-14.

Conditions:
Familial intrahepatic cholestasis. Identifiers: Orphanet 284385, MedGen CN296401, MONDO:0017290.
Cholestasis, intrahepatic, of pregnancy, 1 (ICP1). Also called: CHOLESTASIS, PREGNANCY-RELATED, 1. Identifiers: Orphanet 69665, MedGen C3549845, MONDO:0007829, OMIM 147480.

Allele frequency attached by ClinVar (database versions not stated): gnomAD exomes below 0.00001; TOPMed below 0.00001; ExAC 0.00001.
gnomAD v4.1: 4 of 1,613,924 alleles (0.00025%); highest among the groups gnomAD compares: Non-Finnish European, 0.00034%; no homozygotes.

Submissions (2):

Genomenon, Inc
Classification: Uncertain significance for Familial intrahepatic cholestasis. Last evaluated: 2026-04-14. Review status: criteria provided, single submitter. Criteria: Genomenon Sequence Variant Interpretation Standards - Updated. Collection method: curation. Allele origin: germline. Affected: no.
Comment: ATP8B1 p.Arg867Cys (c.2599C>T) is a missense variant that changes the amino acid at residue 867 from Arginine to Cysteine. This variant has been reported in the published literature (PMID:19731236;15888793;38436085;35416773). It is absent or not present at a significant frequency in gnomAD. In silico models predict that this variant is possibly or probably damaging. In conclusion, we classify ATP8B1 p.Arg867Cys (c.2599C>T) as a variant of uncertain significance.

OMIM
Classification: Pathogenic for CHOLESTASIS, INTRAHEPATIC, OF PREGNANCY, 1. Last evaluated: 2005-06-01. Review status: no assertion criteria provided. Collection method: literature only. Allele origin: germline. Not counted in ClinVar's aggregate classification.

Literature cited by the submitters: PubMed 19731236 (cited by Genomenon, Inc); PubMed 15888793 (cited by Genomenon, Inc and OMIM); PubMed 38436085 (cited by Genomenon, Inc); PubMed 35416773 (cited by Genomenon, Inc).